The following is an entry in ClinVar:

ClinVar aggregate classification (germline): Likely pathogenic. Review status: criteria provided, single submitter (1 of 4 stars). 2 submissions from 2 submitters: Likely pathogenic (1). 1 of the submissions does not count toward it. Last evaluated 2023-07-19.

Conditions:
Methylmalonic aciduria, cblA type (MACA). Also called: Methylmalonic aciduria, vitamin b12-responsive, due to defect in synthesis of adenosylcobalamin, cbla complementation type; MMA cbl A type; Methylmalonic acidemia cblA type; Methylmalonic aciduria, vitamin B12-responsive; Vitamin B12-responsive methylmalonic acidemia type cblA. Identifiers: Orphanet 28, Orphanet 79310, MedGen C1855109, MONDO:0009613, OMIM 251100.

Submissions (2):

Labcorp Genetics (formerly Invitae), Labcorp
Classification: Likely pathogenic for Methylmalonic aciduria, cblA type. Last evaluated: 2023-07-19. Review status: criteria provided, single submitter. Criteria: Invitae Variant Classification Sherloc (09022015). Collection method: clinical testing. Allele origin: germline.
Comment: This sequence change affects a donor splice site in intron 3 of the MMAA gene. It is expected to disrupt RNA splicing. Variants that disrupt the donor or acceptor splice site typically lead to a loss of protein function (PMID: 16199547), and loss-of-function variants in MMAA are known to be pathogenic (PMID: 15523652, 15781192). This variant is not present in population databases (gnomAD no frequency). This variant has not been reported in the literature in individuals affected with MMAA-related conditions. ClinVar contains an entry for this variant (Variation ID: 225188). Algorithms developed to predict the effect of sequence changes on RNA splicing suggest that this variant may disrupt the consensus splice site. In summary, the currently available evidence indicates that the variant is pathogenic, but additional data are needed to prove that conclusively. Therefore, this variant has been classified as Likely Pathogenic.

Institute of Medical Genetics and Genomics, Sir Ganga Ram Hospital
Classification: Pathogenic for Methylmalonic aciduria, cblA type. Last evaluated: 2015-05-18. Review status: no assertion criteria provided. Collection method: research. Allele origin: germline. Affected: yes. Observed: 1 variant allele. Study: ORGANIC ACIDURIAS. Not counted in ClinVar's aggregate classification.
Comment: Splice-site mutation

Literature cited by the submitters: PubMed 16199547 (cited by Labcorp Genetics (formerly Invitae), Labcorp); PubMed 15523652 (cited by Labcorp Genetics (formerly Invitae), Labcorp and Institute of Medical Genetics and Genomics, Sir Ganga Ram Hospital); PubMed 15781192 (cited by Labcorp Genetics (formerly Invitae), Labcorp).

NM_172250.3(MMAA):c.562+1G>A

Gene: MMAA (metabolism of cobalamin associated A; plus strand). Cytogenetic location: 4q31.21.
Variant type: single nucleotide variant.
Coding change: c.562+1G>A on transcript NM_172250.3 (MANE Select); the canonical splice donor site of the intron after coding-DNA position 562, G replaced by A.
Molecular consequence: splice donor variant.
Genome position (GRCh38, 1-based): chr4:145,642,486, G>A. VCF-style: chr4-145642486-G-A. GRCh37 (hg19) VCF-style: chr4-146563638-G-A.
Other names: c.562+1G>A (NM_001375644.1).
Identifiers: ClinVar variation 225188 (VCV000225188.6), dbSNP rs869320656, ClinGen allele CA358780.